The following is an entry in ClinVar:

NM_018089.3(ANKZF1):c.970A>C (p.Ile324Leu)

Gene: ANKZF1 (ankyrin repeat and zinc finger peptidyl tRNA hydrolase 1; plus strand). Cytogenetic location: 2q35.
Variant type: single nucleotide variant.
Coding change: c.970A>C on transcript NM_018089.3 (MANE Select); coding-DNA position 970, A replaced by C.
Protein change: p.Ile324Leu; replaces isoleucine 324 with leucine.
Molecular consequence: missense variant.
Genome position (GRCh38, 1-based): chr2:219,233,865, A>C. VCF-style: chr2-219233865-A-C. GRCh37 (hg19) VCF-style: chr2-220098587-A-C.
Other names: c.970A>C, p.Ile324Leu (NM_001042410.2); c.340A>C, p.Ile114Leu (NM_001282792.2); short protein forms I324L, I114L.
Identifiers: ClinVar variation 1388991 (VCV001388991.7), dbSNP rs1399717650, ClinGen allele CA350677787.

ClinVar aggregate classification (germline): Uncertain significance. Review status: criteria provided, multiple submitters, no conflicts (2 of 4 stars). 2 submissions from 2 submitters: Uncertain significance (2). Last evaluated 2024-10-28.

gnomAD v4.1: 4 of 1,612,584 alleles (0.00025%); highest among the groups gnomAD compares: Non-Finnish European, 0.00034%; no homozygotes.

Submissions (2):

Labcorp Genetics (formerly Invitae), Labcorp
Classification: Uncertain significance. Last evaluated: 2024-10-28. Review status: criteria provided, single submitter. Criteria: Invitae Variant Classification Sherloc (09022015). Collection method: clinical testing. Allele origin: germline.
Comment: This sequence change replaces isoleucine, which is neutral and non-polar, with leucine, which is neutral and non-polar, at codon 324 of the ANKZF1 protein (p.Ile324Leu). This variant is not present in population databases (gnomAD no frequency). This variant has not been reported in the literature in individuals affected with ANKZF1-related conditions. ClinVar contains an entry for this variant (Variation ID: 1388991). An algorithm developed to predict the effect of missense changes on protein structure and function (PolyPhen-2) suggests that this variant is likely to be disruptive. In summary, the available evidence is currently insufficient to determine the role of this variant in disease. Therefore, it has been classified as a Variant of Uncertain Significance.

Seattle Children's Hospital Molecular Genetics Laboratory, Seattle Children's Hospital
Classification: Uncertain significance. Review status: criteria provided, single submitter. Criteria: ACMG Guidelines, 2015. Collection method: clinical testing. Allele origin: germline. Affected: yes.
Comment: The p.Ile324Leu variant is predicted to substitute the isoleucine at amino acid position 324 with a leucine. This variant is absent from the medical literature but has been reported once in patient database (ClinVar Variation ID: 1388991), although no clinical information was available for that individual. The p.Ile324Leu variant is absent from large population studies (gnomAD v2.1.1). In silico predictions are conflicting, with some suggesting the variant is benign and others suggesting it is damaging.